The following is an entry in ClinVar:

NM_032888.4(COL27A1):c.4669A>T (p.Ile1557Phe)

Gene: COL27A1 (collagen type XXVII alpha 1 chain; plus strand). Cytogenetic location: 9q32.
Variant type: single nucleotide variant.
Coding change: c.4669A>T on transcript NM_032888.4 (MANE Select); coding-DNA position 4669, A replaced by T.
Protein change: p.Ile1557Phe; replaces isoleucine 1557 with phenylalanine.
Molecular consequence: missense variant.
Genome position (GRCh38, 1-based): chr9:114,300,655, A>T. VCF-style: chr9-114300655-A-T. GRCh37 (hg19) VCF-style: chr9-117062935-A-T.
Other names: short protein forms I1557F.
Identifiers: ClinVar variation 2141925 (VCV002141925.1), dbSNP rs1048268058, ClinGen allele CA198619525.

ClinVar aggregate classification (germline): Uncertain significance (1 of 4 stars; one submission).

Allele frequency attached by ClinVar (database versions not stated): gnomAD exomes below 0.00001; TOPMed 0.00001.
gnomAD v4.1: 5 of 1,522,870 alleles (0.00033%); highest among the groups gnomAD compares: Admixed American, 0.0046%; no homozygotes.

Submission:

Labcorp Genetics (formerly Invitae), Labcorp
Classification: Uncertain significance. Last evaluated: 2021-12-14. Review status: criteria provided, single submitter. Criteria: Invitae Variant Classification Sherloc (09022015). Collection method: clinical testing. Allele origin: germline.
Comment: This sequence change replaces isoleucine, which is neutral and non-polar, with phenylalanine, which is neutral and non-polar, at codon 1557 of the COL27A1 protein (p.Ile1557Phe). This variant is not present in population databases (gnomAD no frequency). This variant has not been reported in the literature in individuals affected with COL27A1-related conditions. Advanced modeling of protein sequence and biophysical properties (such as structural, functional, and spatial information, amino acid conservation, physicochemical variation, residue mobility, and thermodynamic stability) performed at Invitae indicates that this missense variant is not expected to disrupt COL27A1 protein function. In summary, the available evidence is currently insufficient to determine the role of this variant in disease. Therefore, it has been classified as a Variant of Uncertain Significance.